The following is an entry in ClinVar:

ClinVar aggregate classification (germline): Likely pathogenic (1 of 4 stars; one submission).

Conditions:
Syndromic X-linked intellectual disability Najm type (MICPCH). Also called: Mental retardation and microcephaly with pontine and cerebellar hypoplasia; MENTAL RETARDATION, X-LINKED, SYNDROMIC, NAJM TYPE; MICPCH SYNDROME; Intellectual developmental disorder and microcephaly with pontine and cerebellar hypoplasia; Intellectual Disability and Microcephaly with Pontine and Cerebellar Hypoplasia; Intellectual Disability and Microcephaly with Pontine and Cerebellar Hypoplasia (MICPCH). Identifiers: Orphanet 163937, MedGen C2677903, MONDO:0010417, OMIM 300749.

Submission:

Victorian Clinical Genetics Services, Murdoch Childrens Research Institute
Classification: Likely pathogenic for Syndromic X-linked intellectual disability Najm type. Last evaluated: 2026-04-08. Review status: criteria provided, single submitter. Criteria: ACMG Guidelines, 2015. Collection method: clinical testing. Allele origin: germline. Affected: yes.
Comment: This variant is classified as Likely pathogenic. Evidence in support of pathogenic classification: Variant is absent from gnomAD (v2, v3 and v4); Missense variant in a region that is highly intolerant to missense variation (high constraint region in DECIPHER); Additional information: Variant is predicted to result in a missense amino acid change from Thr to Ala; This variant is heterozygous; This gene is associated with X-linked disease; Previous evidence of pathogenicity for this variant is inconclusive. This variant was reported as de novo in an individual with no phenotype information available, and classified as VUS (DECIPHER); No published evidence of segregation with disease has been identified for this variant; No published functional evidence has been identified for this variant; No comparable missense variants have previous evidence for pathogenicity; Missense variant with inconclusive in silico prediction and/or uninformative conservation; Loss of function is a known mechanism of disease in this gene and is associated with intellectual developmental disorder and microcephaly with pontine and cerebellar hypoplasia (MIM#300749), intellectual disability disorder with or without nystagmus (MIM#300422), and FG syndrome 4 (MIM#300422).

NM_001367721.1(CASK):c.796A>G (p.Thr266Ala)

Gene: CASK (calcium/calmodulin dependent serine protein kinase; minus strand). Cytogenetic location: Xp11.4.
Variant type: single nucleotide variant.
Coding change: c.796A>G on transcript NM_001367721.1 (MANE Select); coding-DNA position 796, A replaced by G.
Protein change: p.Thr266Ala; replaces threonine 266 with alanine.
Molecular consequence: missense variant.
Genome position (GRCh38, 1-based): chrX:41,660,474, T>C on the plus strand (A>G on the coding strand, the complement: CASK is on the minus strand). VCF-style: chrX-41660474-T-C. GRCh37 (hg19) VCF-style: chrX-41519727-T-C.
Other names: c.796A>G, p.Thr266Ala (NM_001126054.3, NM_001126055.3, NM_001410745.1 and 1 more transcripts); short protein forms T266A.
Identifiers: ClinVar variation 4879779 (VCV004879779.1).
Genomic context (GRCh38, chrX:41,660,474, plus strand): 5'-AGGTGACCTGTGAATGCTCATGTACCTTAAGCCATGGGTGATTCAGTGCTTCATAAACAG[T>C]GATCCTTTCAGCTGGATCCAGCATCAGCATGCGACGTACTAGGTCTTTGGCACTTTCAGA-3'
Protein context (NP_001354650.1, residues 256-276): MLMLDPAERI[Thr266Ala]VYEALNHPWL